The following is an entry in ClinVar:

NM_022787.4(NMNAT1):c.763A>G (p.Ser255Gly)

Gene: NMNAT1 (nicotinamide nucleotide adenylyltransferase 1; plus strand). Cytogenetic location: 1p36.22.
Variant type: single nucleotide variant.
Coding change: c.763A>G on transcript NM_022787.4 (MANE Select); coding-DNA position 763, A replaced by G.
Protein change: p.Ser255Gly; replaces serine 255 with glycine.
Molecular consequence: missense variant.
Genome position (GRCh38, 1-based): chr1:9,982,624, A>G. VCF-style: chr1-9982624-A-G. GRCh37 (hg19) VCF-style: chr1-10042682-A-G.
Other names: c.763A>G, p.Ser255Gly (NM_001297778.1); short protein forms S255G.
Identifiers: ClinVar variation 1043214 (VCV001043214.5), dbSNP rs777097208, ClinGen allele CA579321.

ClinVar aggregate classification (germline): Uncertain significance (1 of 4 stars; one submission).

Conditions:
Leber congenital amaurosis 9 (LCA9). Also called: LCA 9; Amaurosis congenita of Leber, type 9; LCA9 Leber Congenital Amaurosis. Identifiers: Orphanet 65, MedGen C1837873, MONDO:0012056, OMIM 608553.

Allele frequency attached by ClinVar (database versions not stated): gnomAD exomes below 0.00001; ExAC 0.00001.
gnomAD v4.1: 3 of 1,614,158 alleles (0.00019%); highest among the groups gnomAD compares: Admixed American, 0.0033%; no homozygotes.

Submission:

Labcorp Genetics (formerly Invitae), Labcorp
Classification: Uncertain significance for Leber congenital amaurosis 9. Last evaluated: 2025-09-02. Review status: criteria provided, single submitter. Criteria: Invitae Variant Classification Sherloc (09022015). Collection method: clinical testing. Allele origin: germline.
Comment: This sequence change replaces serine, which is neutral and polar, with glycine, which is neutral and non-polar, at codon 255 of the NMNAT1 protein (p.Ser255Gly). This variant is present in population databases (rs777097208, gnomAD 0.003%). This variant has not been reported in the literature in individuals affected with NMNAT1-related conditions. ClinVar contains an entry for this variant (Variation ID: 1043214). Invitae Evidence Modeling of protein sequence and biophysical properties (such as structural, functional, and spatial information, amino acid conservation, physicochemical variation, residue mobility, and thermodynamic stability) indicates that this missense variant is not expected to disrupt NMNAT1 protein function with a negative predictive value of 80%. In summary, the available evidence is currently insufficient to determine the role of this variant in disease. Therefore, it has been classified as a Variant of Uncertain Significance.